The following is an entry in ClinVar:

NM_181552.4(CUX1):c.3176C>T (p.Ser1059Phe)

Gene: CUX1 (cut like homeobox 1; plus strand). Cytogenetic location: 7q22.1.
Variant type: single nucleotide variant.
Coding change: c.3176C>T on transcript NM_181552.4 (MANE Select); coding-DNA position 3176, C replaced by T.
Protein change: p.Ser1059Phe; replaces serine 1059 with phenylalanine.
Molecular consequence: missense variant. On other transcripts: intron variant (5).
Genome position (GRCh38, 1-based): chr7:102,227,412, C>T. VCF-style: chr7-102227412-C-T. GRCh37 (hg19) VCF-style: chr7-101870692-C-T.
Other names: c.3209C>T, p.Ser1070Phe (NM_001202543.2); c.1255+31809C>T (NM_001913.5); c.1249+31809C>T (NM_181500.4); c.1117+31809C>T (NM_001202545.3); c.1207+31809C>T (NM_001202544.3); c.1138+31809C>T (NM_001202546.3); short protein forms S1059F, S1070F.
Identifiers: ClinVar variation 2579305 (VCV002579305.1), dbSNP rs2485982780, ClinGen allele CA368693500.

ClinVar aggregate classification (germline): Uncertain significance (1 of 4 stars; one submission).

Submission:

GeneDx
Classification: Uncertain significance. Last evaluated: 2023-09-01. Review status: criteria provided, single submitter. Criteria: GeneDx Variant Classification Process June 2021. Collection method: clinical testing. Allele origin: germline. Affected: yes.
Comment: Not observed in large population cohorts (gnomAD); Has not been previously published as pathogenic or benign to our knowledge; In silico analysis supports that this missense variant has a deleterious effect on protein structure/function